The following is an entry in ClinVar:

NM_006231.4(POLE):c.6271C>G (p.Pro2091Ala)

Gene: POLE (DNA polymerase epsilon, catalytic subunit; minus strand). Cytogenetic location: 12q24.33.
Variant type: single nucleotide variant.
Coding change: c.6271C>G on transcript NM_006231.4 (MANE Select); coding-DNA position 6271, C replaced by G.
Protein change: p.Pro2091Ala; replaces proline 2091 with alanine.
Molecular consequence: missense variant.
Genome position (GRCh38, 1-based): chr12:132,632,374, G>C on the plus strand (C>G on the coding strand, the complement: POLE is on the minus strand). VCF-style: chr12-132632374-G-C. GRCh37 (hg19) VCF-style: chr12-133208960-G-C.
Other names: c.6271C>G (NM_006231.2); short protein forms P2091A.
Identifiers: ClinVar variation 2098257 (VCV002098257.5), dbSNP rs572252265, ClinGen allele CA387369450.

ClinVar aggregate classification (germline): Uncertain significance. Review status: criteria provided, multiple submitters, no conflicts (2 of 4 stars). 2 submissions from 2 submitters: Uncertain significance (2). Last evaluated 2024-04-24.

Conditions:
Hereditary cancer-predisposing syndrome. Also called: Hereditary neoplastic syndrome; Neoplastic Syndromes, Hereditary; Tumor predisposition; Hereditary Cancer Syndrome. Identifiers: Orphanet 140162, MedGen C0027672, MeSH D009386, MONDO:0015356.

Submissions (2):

Ambry Genetics
Classification: Uncertain significance for Hereditary cancer-predisposing syndrome. Last evaluated: 2024-04-24. Review status: criteria provided, single submitter. Criteria: Ambry Variant Classification Scheme 2023. Collection method: clinical testing. Allele origin: germline.
Comment: The p.P2091A variant (also known as c.6271C>G), located in coding exon 45 of the POLE gene, results from a C to G substitution at nucleotide position 6271. The proline at codon 2091 is replaced by alanine, an amino acid with highly similar properties. This amino acid position is conserved. In addition, the in silico prediction for this alteration is inconclusive. Based on the available evidence, the clinical significance of this variant remains unclear.

Labcorp Genetics (formerly Invitae), Labcorp
Classification: Uncertain significance. Last evaluated: 2022-02-18. Review status: criteria provided, single submitter. Criteria: Invitae Variant Classification Sherloc (09022015). Collection method: clinical testing. Allele origin: germline.
Comment: In summary, the available evidence is currently insufficient to determine the role of this variant in disease. Therefore, it has been classified as a Variant of Uncertain Significance. Algorithms developed to predict the effect of missense changes on protein structure and function are either unavailable or do not agree on the potential impact of this missense change (SIFT: "Deleterious"; PolyPhen-2: "Benign"; Align-GVGD: "Class C0"). This variant has not been reported in the literature in individuals affected with POLE-related conditions. This variant is not present in population databases (gnomAD no frequency). This sequence change replaces proline, which is neutral and non-polar, with alanine, which is neutral and non-polar, at codon 2091 of the POLE protein (p.Pro2091Ala).